The following is an entry in ClinVar:

ClinVar aggregate classification (germline): Likely benign. Review status: criteria provided, multiple submitters, no conflicts (2 of 4 stars). 3 submissions from 3 submitters: Likely benign (2). 1 of the submissions does not count toward it. Last evaluated 2024-11-15.

Conditions:
MCM2-related disorder. Also called: MCM2-related condition.

Allele frequency attached by ClinVar (database versions not stated): ESP Exome Variant Server 0.00008; gnomAD 0.00009 and 0.00015; TOPMed 0.00009; ExAC 0.00036; 1000 Genomes Project 30x 0.00094; 1000 Genomes Project 0.00120.
gnomAD v4.1: 218 of 1,613,468 alleles (0.014%); highest among the groups gnomAD compares: East Asian, 0.33%; 1 homozygote.

Submissions (3):

Blueprint Genetics
Classification: Likely benign. Last evaluated: 2024-11-15. Review status: criteria provided, single submitter. Criteria: ACMG Guidelines, 2015. Collection method: clinical testing. Allele origin: germline.

Labcorp Genetics (formerly Invitae), Labcorp
Classification: Likely benign. Last evaluated: 2022-11-24. Review status: criteria provided, single submitter. Criteria: Invitae Variant Classification Sherloc (09022015). Collection method: clinical testing. Allele origin: germline.

PreventionGenetics, part of Exact Sciences
Classification: Likely benign for MCM2-related condition. Last evaluated: 2020-09-02. Review status: no assertion criteria provided. Collection method: clinical testing. Allele origin: germline. Not counted in ClinVar's aggregate classification.
Comment: This variant is classified as likely benign based on ACMG/AMP sequence variant interpretation guidelines (Richards et al. 2015 PMID: 25741868, with internal and published modifications).

NM_004526.4(MCM2):c.1888G>A (p.Ala630Thr)

Gene: MCM2 (minichromosome maintenance complex component 2; plus strand). Cytogenetic location: 3q21.3.
Variant type: single nucleotide variant.
Coding change: c.1888G>A on transcript NM_004526.4 (MANE Select); coding-DNA position 1888, G replaced by A.
Protein change: p.Ala630Thr; replaces alanine 630 with threonine.
Molecular consequence: missense variant. On other transcripts: non-coding transcript variant (1).
Genome position (GRCh38, 1-based): chr3:127,617,393, G>A. VCF-style: chr3-127617393-G-A. GRCh37 (hg19) VCF-style: chr3-127336236-G-A.
Other names: short protein forms A630T.
Identifiers: ClinVar variation 764874 (VCV000764874.9), dbSNP rs138684820, ClinGen allele CA2596036.